The following is an entry in ClinVar:

ClinVar aggregate classification (germline): Likely benign (1 of 4 stars; one submission).

Submission:

CeGaT Center for Human Genetics Tuebingen
Classification: Likely benign. Last evaluated: 2026-07-01. Review status: criteria provided, single submitter. Criteria: CeGaT Center For Human Genetics Tuebingen Variant Classification Criteria Version 2. Collection method: clinical testing. Allele origin: germline. Affected: yes. Observed: 1 variant allele.
Comment: FBRSL1: BS1

NM_001367871.1(FBRSL1):c.2845GCC[5] (p.Ala952_Leu953insAla)

Gene: FBRSL1 (fibrosin like 1; plus strand). Cytogenetic location: 12q24.33.
Variant type: Microsatellite.
Coding change: c.2845GCC[5] on transcript NM_001367871.1 (MANE Select); five copies in a row of the 3-base unit GCC starting at c.2845; the reference has four copies in a row; one copy, 3 bases duplicated.
Protein change: p.Ala952_Leu953insAla.
Genome position (GRCh38, 1-based): chr12:132,583,623-132,583,625, GCC duplicated; duplicating any 3 consecutive bases within chr12:132,583,612-132,583,625 gives the same sequence; the position shown is the placement nearest the transcript's 3' end. VCF-style (leftmost placement, unchanged base first): chr12-132583611-C-CCCG. GRCh37 (hg19) VCF-style: chr12-133160197-C-CCCG.
Other names: c.2974GCC[5], p.Ala995_Leu996insAla (NM_001142641.2); c.2899GCC[5], p.Ala970_Leu971insAla (NM_001382739.1); c.2224GCC[5], p.Ala745_Leu746insAla (NM_001382740.1).
Identifiers: ClinVar variation 5038908 (VCV005038908.1).